The following is an entry in ClinVar:

ClinVar aggregate classification (germline): Uncertain significance (1 of 4 stars; one submission).

Conditions:
BPTF-related disorder. Also called: BPTF-related condition.

Allele frequency attached by ClinVar (database versions not stated): gnomAD 0.00001; gnomAD exomes 0.00001; TOPMed 0.00001.
gnomAD v4.1: 14 of 1,608,908 alleles (0.00087%); highest among the groups gnomAD compares: Non-Finnish European, 0.0011%; no homozygotes.

Submission:

PreventionGenetics, part of Exact Sciences
Classification: Uncertain significance for BPTF-related condition. Last evaluated: 2023-01-13. Review status: criteria provided, single submitter. Criteria: ACMG Guidelines, 2015. Collection method: clinical testing. Allele origin: germline.
Comment: The BPTF c.4335A>T variant is predicted to result in the amino acid substitution p.Lys1445Asn. To our knowledge, this variant has not been reported in the literature or in a large population database, indicating this variant is rare. At this time, the clinical significance of this variant is uncertain due to the absence of conclusive functional and genetic evidence.

NM_182641.4(BPTF):c.4335A>T (p.Lys1445Asn)

Gene: BPTF (bromodomain PHD finger transcription factor; plus strand). Cytogenetic location: 17q24.2.
Variant type: single nucleotide variant.
Coding change: c.4335A>T on transcript NM_182641.4 (MANE Select); coding-DNA position 4335, A replaced by T.
Protein change: p.Lys1445Asn; replaces lysine 1445 with asparagine.
Molecular consequence: missense variant.
Genome position (GRCh38, 1-based): chr17:67,912,219, A>T. VCF-style: chr17-67912219-A-T. GRCh37 (hg19) VCF-style: chr17-65908335-A-T.
Other names: c.4713A>T, p.Lys1571Asn (NM_004459.7); short protein forms K1445N, K1571N.
Identifiers: ClinVar variation 2636603 (VCV002636603.1), dbSNP rs1023446261, ClinGen allele CA293263773.